The following is an entry in ClinVar:

ClinVar aggregate classification (germline): Uncertain significance (1 of 4 stars; one submission).

Submission:

Labcorp Genetics (formerly Invitae), Labcorp
Classification: Uncertain significance. Last evaluated: 2025-11-01. Review status: criteria provided, single submitter. Criteria: Invitae Variant Classification Sherloc (09022015). Collection method: clinical testing. Allele origin: germline.
Comment: This sequence change replaces alanine, which is neutral and non-polar, with leucine, which is neutral and non-polar, at codon 11 of the C1S protein (p.Ala11Leu). This variant is present in population databases (no rsID available, gnomAD 0.01%). This variant has not been reported in the literature in individuals affected with C1S-related conditions. ClinVar contains an entry for this variant (Variation ID: 1369281). An algorithm developed to predict the effect of missense changes on protein structure and function (PolyPhen-2) suggests that this variant is likely to be tolerated. In summary, the available evidence is currently insufficient to determine the role of this variant in disease. Therefore, it has been classified as a Variant of Uncertain Significance.

NM_001734.5(C1S):c.31_32delinsTT (p.Ala11Leu)

Gene: C1S (complement C1s; plus strand). Cytogenetic location: 12p13.31.
Variant type: Indel.
Coding change: c.31_32delinsTT on transcript NM_001734.5 (MANE Select); coding-DNA positions 31 to 32, GC replaced by TT.
Protein change: p.Ala11Leu; replaces alanine 11 with leucine.
Molecular consequence: missense variant. On other transcripts: intron variant (1).
Genome position (GRCh38, 1-based): chr12:7,062,500-7,062,501, GC replaced by TT. VCF-style: chr12-7062500-GC-TT. GRCh37 (hg19) VCF-style: chr12-7169804-GC-TT.
Other names: c.31_32delinsTT, p.Ala11Leu (NM_201442.4); c.-288-390_-288-389delinsTT (NM_001346850.2); short protein forms A11L.
Identifiers: ClinVar variation 1369281 (VCV001369281.8), dbSNP rs2135720969, ClinGen allele CA2573148408.